The following is an entry in ClinVar:

ClinVar aggregate classification (germline): Uncertain significance (1 of 4 stars; one submission).

Conditions:
Neurodevelopmental disorder with severe motor impairment and absent language. Also called: NEURODEVELOPMENTAL DISORDER WITH VARIABLE MOTOR AND LANGUAGE IMPAIRMENT. Identifiers: Orphanet 647788, MedGen C4540496, MONDO:0060622, OMIM 617804.

Submission:

Centre for Mendelian Genomics, University Medical Centre Ljubljana
Classification: Uncertain significance for Neurodevelopmental disorder with severe motor impairment and absent language. Last evaluated: 2019-08-14. Review status: criteria provided, single submitter. Criteria: ACMG Guidelines, 2015. Collection method: clinical testing. Allele origin: unknown. Affected: yes.
Comment: This variant was classified as: Uncertain significance. The available evidence favors the pathogenic nature of this variant, however the currently available data is insufficient to conclusively support its pathogenic nature. Thus this variant is classified as Uncertain significance - favor pathogenic. The following ACMG criteria were applied in classifying this variant: PM2,PP3.

NM_138615.3(DHX30):c.1384G>A (p.Gly462Arg)

Gene: DHX30 (DExH-box helicase 30; plus strand). Cytogenetic location: 3p21.31.
Variant type: single nucleotide variant.
Coding change: c.1384G>A on transcript NM_138615.3 (MANE Select); coding-DNA position 1384, G replaced by A.
Protein change: p.Gly462Arg; replaces glycine 462 with arginine.
Molecular consequence: missense variant.
Genome position (GRCh38, 1-based): chr3:47,846,456, G>A. VCF-style: chr3-47846456-G-A. GRCh37 (hg19) VCF-style: chr3-47887946-G-A.
Other names: c.1300G>A, p.Gly434Arg (NM_001330990.2); c.1267G>A, p.Gly423Arg (NM_014966.4); short protein forms G462R, G423R, G434R.
Identifiers: ClinVar variation 931675 (VCV000931675.3), dbSNP rs2037612180, ClinGen allele CA352586261.